The following is an entry in ClinVar:

ClinVar aggregate classification (germline): Uncertain significance (1 of 4 stars; one submission).

Allele frequency attached by ClinVar (database versions not stated): gnomAD 0.00001; ExAC 0.00002; TOPMed 0.00003; ESP Exome Variant Server 0.00008.
gnomAD v4.1: 2 of 1,613,918 alleles (0.00012%); highest among the groups gnomAD compares: African/African-American, 0.0027%; no homozygotes.

Submission:

Labcorp Genetics (formerly Invitae), Labcorp
Classification: Uncertain significance. Last evaluated: 2022-07-16. Review status: criteria provided, single submitter. Criteria: Invitae Variant Classification Sherloc (09022015). Collection method: clinical testing. Allele origin: germline.
Comment: In summary, the available evidence is currently insufficient to determine the role of this variant in disease. Therefore, it has been classified as a Variant of Uncertain Significance. Algorithms developed to predict the effect of missense changes on protein structure and function output the following: SIFT: "Tolerated"; PolyPhen-2: "Benign"; Align-GVGD: "Class C0". The threonine amino acid residue is found in multiple mammalian species, which suggests that this missense change does not adversely affect protein function. This variant has not been reported in the literature in individuals affected with VCAN-related conditions. This variant is present in population databases (rs377698506, gnomAD 0.01%). This sequence change replaces serine, which is neutral and polar, with threonine, which is neutral and polar, at codon 2456 of the VCAN protein (p.Ser2456Thr).

NM_004385.5(VCAN):c.7367G>C (p.Ser2456Thr)

Genes: VCAN (versican; plus strand), VCAN-AS1 (VCAN antisense RNA 1; minus strand). Cytogenetic location: 5q14.3.
Variant type: single nucleotide variant.
Coding change: c.7367G>C on transcript NM_004385.5 (MANE Select); coding-DNA position 7367, G replaced by C.
Protein change: p.Ser2456Thr; replaces serine 2456 with threonine.
Molecular consequence: missense variant. On other transcripts: intron variant (2).
Genome position (GRCh38, 1-based): chr5:83,540,370, G>C. VCF-style: chr5-83540370-G-C. GRCh37 (hg19) VCF-style: chr5-82836189-G-C.
Other names: c.4406G>C, p.Ser1469Thr (NM_001164097.2); c.4004-5167G>C (NM_001164098.2); c.1043-5167G>C (NM_001126336.3); short protein forms S1469T, S2456T.
Identifiers: ClinVar variation 1716328 (VCV001716328.5), dbSNP rs377698506, ClinGen allele CA3333620.